The following is an entry in ClinVar:

ClinVar aggregate classification (germline): Conflicting classifications of pathogenicity. Review status: criteria provided, conflicting classifications (1 of 4 stars). 2 submissions from 2 submitters: Uncertain significance (1); Likely benign (1). Last evaluated 2023-11-13.

Conditions:
Hereditary cancer-predisposing syndrome. Also called: Neoplastic Syndromes, Hereditary; Tumor predisposition; Hereditary Cancer Syndrome; Hereditary neoplastic syndrome. Identifiers: Orphanet 140162, MedGen C0027672, MeSH D009386, MONDO:0015356.

Submissions (2):

Ambry Genetics
Classification: Uncertain significance for Hereditary cancer-predisposing syndrome. Last evaluated: 2023-11-13. Review status: criteria provided, single submitter. Criteria: Ambry Variant Classification Scheme 2023. Collection method: clinical testing. Allele origin: germline.
Comment: The p.T1149S variant (also known as c.3445A>T), located in coding exon 9 of the BRCA1 gene, results from an A to T substitution at nucleotide position 3445. The threonine at codon 1149 is replaced by serine, an amino acid with similar properties. This amino acid position is highly conserved in available vertebrate species. In addition, the in silico prediction for this alteration is inconclusive. Since supporting evidence is limited at this time, the clinical significance of this alteration remains unclear.

University of Washington Department of Laboratory Medicine, University of Washington
Classification: Likely benign for Hereditary cancer-predisposing syndrome. Last evaluated: 2023-03-23. Review status: criteria provided, single submitter. Criteria: Dines et al. (Genet Med. 2020). Collection method: curation. Allele origin: germline.
Comment: Missense variant in a coldspot region where missense variants are very unlikely to be pathogenic (PMID:31911673).

BRCA1 coldspot (exon 11 using historical exon numbering). Reclassification based on statistical prior probability

NM_007294.4(BRCA1):c.3445A>T (p.Thr1149Ser)

Genes: BRCA1 (BRCA1 DNA repair associated; minus strand), LOC126862571 (BRD4-independent group 4 enhancer GRCh37_chr17:41243136-41244335; plus strand). Cytogenetic location: 17q21.31.
Variant type: single nucleotide variant.
Coding change: c.3445A>T on transcript NM_007294.4 (MANE Select); coding-DNA position 3445, A replaced by T.
Protein change: p.Thr1149Ser; replaces threonine 1149 with serine.
Molecular consequence: missense variant. On other transcripts: intron variant (135).
Genome position (GRCh38, 1-based): chr17:43,092,086, T>A on the plus strand (A>T on the coding strand, the complement: BRCA1 is on the minus strand). VCF-style: chr17-43092086-T-A. GRCh37 (hg19) VCF-style: chr17-41244103-T-A.
Other names: c.3235A>T, p.Thr1079Ser (NM_001407887.1, NM_001407889.1, NM_001407907.1 and 13 more transcripts); c.3232A>T, p.Thr1078Ser (NM_001407894.1, NM_001407895.1, NM_001407896.1 and 9 more transcripts); c.710-1054A>T (NM_001408415.1, NM_001408412.1, NM_001408409.1 and 2 more transcripts); c.647-1054A>T (NM_001408456.1, NM_001408458.1, NM_001408469.1 and 11 more transcripts); c.644-1054A>T (NM_001408465.1, NM_001408463.1, NM_001408470.1 and 3 more transcripts); c.707-1054A>T (NM_001408416.1, NM_001408413.1); c.578-1054A>T (NM_001408484.1, NM_001408482.1, NM_001408478.1 and 9 more transcripts); c.662-1054A>T (NM_001408450.1, NM_001408446.1, NM_001408435.1 and 6 more transcripts); and 41 more; short protein forms T1038S, T1079S, T1108S, T1123S, T1146S, T1148S, T981S, T1060S.
Identifiers: ClinVar variation 1731502 (VCV001731502.4), dbSNP rs2154315111, ClinGen allele CA10595092.